The following is an entry in ClinVar:

ClinVar aggregate classification (germline): Uncertain significance (1 of 4 stars; one submission).

Conditions:
Leukodystrophy, hypomyelinating, 6. Also called: LEUKODYSTROPHY, HYPOMYELINATING, WITH ATROPHY OF THE BASAL GANGLIA AND CEREBELLUM; Hypomyelination with Atrophy of Basal Ganglia and Cerebellum (H-ABC); TUBB4A-Associated Leukodystrophy. Identifiers: Orphanet 139441, MedGen C2676244, MONDO:0012905, OMIM 612438.

Submission:

Labcorp Genetics (formerly Invitae), Labcorp
Classification: Uncertain significance for Leukodystrophy, hypomyelinating, 6. Last evaluated: 2025-07-13. Review status: criteria provided, single submitter. Criteria: Invitae Variant Classification Sherloc (09022015). Collection method: clinical testing. Allele origin: germline.
Comment: This sequence change replaces valine, which is neutral and non-polar, with leucine, which is neutral and non-polar, at codon 229 of the TUBB4A protein (p.Val229Leu). This variant is not present in population databases (gnomAD no frequency). This variant has not been reported in the literature in individuals affected with TUBB4A-related conditions. Invitae Evidence Modeling of protein sequence and biophysical properties (such as structural, functional, and spatial information, amino acid conservation, physicochemical variation, residue mobility, and thermodynamic stability) has been performed for this missense variant. However, the output from this modeling did not meet the statistical confidence thresholds required to predict the impact of this variant on TUBB4A protein function. This variant disrupts the p.Val229 amino acid residue in TUBB4A. Other variant(s) that disrupt this residue have been determined to be pathogenic (internal data). This suggests that this residue is clinically significant, and that variants that disrupt this residue are likely to be disease-causing. In summary, the available evidence is currently insufficient to determine the role of this variant in disease. Therefore, it has been classified as a Variant of Uncertain Significance.

NM_006087.4(TUBB4A):c.685G>T (p.Val229Leu)

Gene: TUBB4A (tubulin beta 4A class IVa; minus strand). Cytogenetic location: 19p13.3.
Variant type: single nucleotide variant.
Coding change: c.685G>T on transcript NM_006087.4 (MANE Select); coding-DNA position 685, G replaced by T.
Protein change: p.Val229Leu; replaces valine 229 with leucine.
Molecular consequence: missense variant.
Genome position (GRCh38, 1-based): chr19:6,495,814, C>A on the plus strand (G>T on the coding strand, the complement: TUBB4A is on the minus strand). VCF-style: chr19-6495814-C-A. GRCh37 (hg19) VCF-style: chr19-6495825-C-A.
Other names: c.838G>T, p.Val280Leu (NM_001289123.2); c.820G>T, p.Val274Leu (NM_001289127.2); c.685G>T, p.Val229Leu (NM_001289129.2); c.469G>T, p.Val157Leu (NM_001289130.2, NM_001289131.2); short protein forms V229L, V157L, V280L, V274L.
Identifiers: ClinVar variation 4769708 (VCV004769708.1).